The following is an entry in ClinVar:

NM_005148.4(UNC119):c.610+6C>T

Gene: UNC119 (unc-119 lipid binding chaperone; minus strand). Cytogenetic location: 17q11.2.
Variant type: single nucleotide variant.
Coding change: c.610+6C>T on transcript NM_005148.4 (MANE Select); 6 bases into the intron after coding-DNA position 610, C replaced by T.
Molecular consequence: intron variant. On other transcripts: missense variant (1).
Genome position (GRCh38, 1-based): chr17:28,547,671, G>A on the plus strand (C>T on the coding strand, the complement: UNC119 is on the minus strand). VCF-style: chr17-28547671-G-A. GRCh37 (hg19) VCF-style: chr17-26874689-G-A.
Other names: c.616C>T, p.Arg206Trp (NM_054035.2); c.325+6C>T (NM_001330166.2); short protein forms R206W.
Identifiers: ClinVar variation 1901458 (VCV001901458.5), dbSNP rs766092142, ClinGen allele CA8459740.

ClinVar aggregate classification (germline): Uncertain significance (1 of 4 stars; one submission).

Allele frequency attached by ClinVar (database versions not stated): gnomAD 0.00001; gnomAD exomes 0.00001; ExAC 0.00002; TOPMed 0.00002.
gnomAD v4.1: 17 of 1,614,024 alleles (0.0011%); highest among the groups gnomAD compares: Admixed American, 0.005%; no homozygotes.

Submission:

Labcorp Genetics (formerly Invitae), Labcorp
Classification: Uncertain significance. Last evaluated: 2024-10-15. Review status: criteria provided, single submitter. Criteria: Invitae Variant Classification Sherloc (09022015). Collection method: clinical testing. Allele origin: germline.
Comment: This sequence change falls in intron 4 of the UNC119 gene. It does not directly change the encoded amino acid sequence of the UNC119 protein. It affects a nucleotide within the consensus splice site. This variant is present in population databases (rs766092142, gnomAD 0.006%). This variant has not been reported in the literature in individuals affected with UNC119-related conditions. ClinVar contains an entry for this variant (Variation ID: 1901458). Variants that disrupt the consensus splice site are a relatively common cause of aberrant splicing (PMID: 17576681, 9536098). Algorithms developed to predict the effect of sequence changes on RNA splicing suggest that this variant is not likely to affect RNA splicing. In summary, the available evidence is currently insufficient to determine the role of this variant in disease. Therefore, it has been classified as a Variant of Uncertain Significance.

Literature cited by the submitters: PubMed 17576681; PubMed 9536098.